The following is an entry in ClinVar:

ClinVar aggregate classification (germline): Uncertain significance (1 of 4 stars; one submission).

Conditions:
Autosomal recessive polycystic kidney disease (ARPKD). Also called: AR polycystic kidney disease. Identifiers: Orphanet 731, Orphanet 8378, MedGen C0085548, MeSH D017044, MONDO:0009889.

Allele frequency attached by ClinVar (database versions not stated): TOPMed below 0.00001; gnomAD 0.00001.

Submission:

Labcorp Genetics (formerly Invitae), Labcorp
Classification: Uncertain significance for Autosomal recessive polycystic kidney disease. Last evaluated: 2021-05-17. Review status: criteria provided, single submitter. Criteria: Invitae Variant Classification Sherloc (09022015). Collection method: clinical testing. Allele origin: germline.
Comment: This sequence change falls in intron 24 of the PKHD1 gene. It does not directly change the encoded amino acid sequence of the PKHD1 protein. It affects a nucleotide within the consensus splice site of the intron. This variant is not present in population databases (ExAC no frequency). This variant has not been reported in the literature in individuals with PKHD1-related conditions. Nucleotide substitutions within the consensus splice site are a relatively common cause of aberrant splicing (PMID: 17576681, 9536098). Algorithms developed to predict the effect of sequence changes on RNA splicing suggest that this variant is not likely to affect RNA splicing, but this prediction has not been confirmed by published transcriptional studies. In summary, the available evidence is currently insufficient to determine the role of this variant in disease. Therefore, it has been classified as a Variant of Uncertain Significance.

Literature cited by the submitters: PubMed 17576681; PubMed 9536098.

NM_138694.4(PKHD1):c.2592+6T>C

Gene: PKHD1 (PKHD1 ciliary IPT domain containing fibrocystin/polyductin; minus strand). Cytogenetic location: 6p12.2.
Variant type: single nucleotide variant.
Coding change: c.2592+6T>C on transcript NM_138694.4 (MANE Select); 6 bases into the intron after coding-DNA position 2592, T replaced by C.
Molecular consequence: intron variant.
Genome position (GRCh38, 1-based): chr6:52,045,998, A>G on the plus strand (T>C on the coding strand, the complement: PKHD1 is on the minus strand). VCF-style: chr6-52045998-A-G. GRCh37 (hg19) VCF-style: chr6-51910796-A-G.
Other names: c.2592+6T>C (NM_170724.3).
Identifiers: ClinVar variation 1433498 (VCV001433498.3), dbSNP rs746058715, ClinGen allele CA567636322.